The following is an entry in ClinVar:

NM_006231.4(POLE):c.6657+4A>C

Gene: POLE (DNA polymerase epsilon, catalytic subunit; minus strand). Cytogenetic location: 12q24.33.
Variant type: single nucleotide variant.
Coding change: c.6657+4A>C on transcript NM_006231.4 (MANE Select); 4 bases into the intron after coding-DNA position 6657, A replaced by C.
Molecular consequence: intron variant.
Genome position (GRCh38, 1-based): chr12:132,625,641, T>G on the plus strand (A>C on the coding strand, the complement: POLE is on the minus strand). VCF-style: chr12-132625641-T-G. GRCh37 (hg19) VCF-style: chr12-133202227-T-G.
Other names: c.6657+4A>C (NM_006231.2).
Identifiers: ClinVar variation 1019306 (VCV001019306.7), dbSNP rs770477076, ClinGen allele CA6892114.

ClinVar aggregate classification (germline): Uncertain significance. Review status: criteria provided, multiple submitters, no conflicts (2 of 4 stars). 2 submissions from 2 submitters: Uncertain significance (2). Last evaluated 2025-12-11.

Conditions:
Hereditary cancer-predisposing syndrome. Also called: Tumor predisposition; Neoplastic Syndromes, Hereditary; Hereditary neoplastic syndrome; Hereditary Cancer Syndrome. Identifiers: Orphanet 140162, MedGen C0027672, MeSH D009386, MONDO:0015356.

Allele frequency attached by ClinVar (database versions not stated): gnomAD exomes below 0.00001; TOPMed below 0.00001; ExAC 0.00001.
gnomAD v4.1: 1 of 1,613,316 alleles (0.000062%); highest among the groups gnomAD compares: Non-Finnish European, 0.000085%; no homozygotes.

Submissions (2):

Ambry Genetics
Classification: Uncertain significance for Hereditary cancer-predisposing syndrome. Last evaluated: 2025-12-11. Review status: criteria provided, single submitter. Criteria: Ambry Variant Classification Scheme 2023. Collection method: clinical testing. Allele origin: germline.
Comment: The c.6657+4A>C intronic variant results from an A to C substitution 4 nucleotides after coding exon 47 in the POLE gene. This nucleotide position is well conserved in available vertebrate species. In silico splice site analysis predicts that this alteration will not have any significant effect on splicing. Based on the available evidence, the clinical significance of this variant remains unclear.

Labcorp Genetics (formerly Invitae), Labcorp
Classification: Uncertain significance. Last evaluated: 2022-03-07. Review status: criteria provided, single submitter. Criteria: Invitae Variant Classification Sherloc (09022015). Collection method: clinical testing. Allele origin: germline.
Comment: This variant has not been reported in the literature in individuals affected with POLE-related conditions. In summary, the available evidence is currently insufficient to determine the role of this variant in disease. Therefore, it has been classified as a Variant of Uncertain Significance. Variants that disrupt the consensus splice site are a relatively common cause of aberrant splicing (PMID: 17576681, 9536098). Algorithms developed to predict the effect of sequence changes on RNA splicing suggest that this variant is not likely to affect RNA splicing. ClinVar contains an entry for this variant (Variation ID: 1019306). This variant is present in population databases (rs770477076, gnomAD 0.006%). This sequence change falls in intron 47 of the POLE gene. It does not directly change the encoded amino acid sequence of the POLE protein. It affects a nucleotide within the consensus splice site.

Literature cited by the submitters: PubMed 17576681 (cited by Labcorp Genetics (formerly Invitae), Labcorp); PubMed 9536098 (cited by Labcorp Genetics (formerly Invitae), Labcorp).